The following is an entry in ClinVar:

NM_000137.4(FAH):c.192G>T (p.Gln64His)

Gene: FAH (fumarylacetoacetate hydrolase; plus strand). Cytogenetic location: 15q25.1.
Variant type: single nucleotide variant.
Coding change: c.192G>T on transcript NM_000137.4 (MANE Select); coding-DNA position 192, G replaced by T.
Protein change: p.Gln64His; replaces glutamine 64 with histidine.
Molecular consequence: missense variant.
Genome position (GRCh38, 1-based): chr15:80,158,170, G>T. VCF-style: chr15-80158170-G-T. GRCh37 (hg19) VCF-style: chr15-80450512-G-T.
Other names: c.192G>T, p.Gln64His (NM_001374377.1, NM_001374380.1); short protein forms Q64H.
Identifiers: ClinVar variation 21054 (VCV000021054.39), dbSNP rs80338894, ClinGen allele CA233966.

ClinVar aggregate classification (germline): Pathogenic. Review status: criteria provided, multiple submitters, no conflicts (2 of 4 stars). 16 submissions from 14 submitters: Pathogenic (13). 3 of the submissions do not count toward it. Last evaluated 2026-01-15.

Conditions:
Hypophosphataemia or rickets.
FAH-related disorder. Also called: FAH-related condition.
T-substance anomaly. Identifiers: MedGen C1848724, MONDO:0010158, OMIM 276200.
Tyrosinemia type I (TYRSN1). Also called: HEPATORENAL TYROSINEMIA; Tyrosinemia type 1; Fumarylacetoacetase deficiency; Deficiency of fumarylacetoacetase; FAH DEFICIENCY. Identifiers: Orphanet 882, MedGen C0268490, MONDO:0010161, OMIM 276700. Disease mechanism: loss of function.
Tyrosinemia type II (TYRSN2). Also called: KERATOSIS PALMOPLANTARIS WITH CORNEAL DYSTROPHY; OREGON TYPE TYROSINEMIA; TAT DEFICIENCY; TYROSINE AMINOTRANSFERASE DEFICIENCY; TYROSINE TRANSAMINASE DEFICIENCY. Identifiers: Orphanet 28378, MedGen C0268487, MONDO:0010160, OMIM 276600.

Allele frequency attached by ClinVar (database versions not stated): gnomAD 0.00001; ExAC 0.00007; TOPMed 0.00001.
gnomAD v4.1: 65 of 1,606,282 alleles (0.004%); highest among the groups gnomAD compares: South Asian, 0.067%; no homozygotes.

Submissions 1 to 12 of 16:

Natera, Inc.
Classification: Pathogenic for Tyrosinemia type I. Last evaluated: 2026-01-15. Review status: criteria provided, single submitter. Criteria: Natera Variant Classification Schema (03/2026). Collection method: clinical testing. Allele origin: germline.
Comment: The c.192G>T variant in FAH is a missense variant predicted to cause substitution of glutamine to histidine at amino acid 64. This variant is rare in the general population with a frequency below the threshold expected for the associated phenotype(s). This variant has been observed in one or more individuals affected with the associated recessive disease, as either homozygous or compound heterozygous with a second variant (PMID: 40232499, 7942842). Additionally, this variant has been observed to segregate in affected family members (PMID: 25564536). Functional studies show that this variant may disrupt protein function (PMID: 7942842). Given the available evidence, this variant is classified as Pathogenic.

CeGaT Center for Human Genetics Tuebingen
Classification: Pathogenic. Last evaluated: 2026-01-01. Review status: criteria provided, single submitter. Criteria: CeGaT Center For Human Genetics Tuebingen Variant Classification Criteria Version 2. Collection method: clinical testing. Allele origin: germline. Affected: yes. Observed: 1 variant allele.
Comment: FAH: PM3:Strong, PM2, PS3:Moderate, PP3, PP4

PreventionGenetics, part of Exact Sciences
Classification: Pathogenic for FAH-related condition. Last evaluated: 2025-09-15. Review status: criteria provided, single submitter. Criteria: ACMG Guidelines, 2015. Collection method: clinical testing. Allele origin: germline.
Comment: The FAH c.192G>T variant is predicted to result in the amino acid substitution p.Gln64His. The c.192G>T variant has been reported as a recurrent variant causative for tyrosinemia type I (for example, see Rootwelt et al. 1996. PubMed ID: 8829657; Angileri et al. 2015. PubMed ID: 25681080). This variant is located at the last nucleotide of exon 2 and is predicted to lead to loss of the nearby splice donor site and impact splicing (SpliceAI, Jaganathan et al. 2019. PubMed ID: 30661751). Consistent with this computer prediction, it has been classified as a “splice error” variant and has been shown to lead to retention of 94 bp of intron 2, leading to decreased FAH mRNA production and premature termination (Rootwelt et al. 1994. PubMed ID: 7942842; Ijaz et al. 2016. PubMed ID: 26565546). This variant is reported in 0.052% of alleles in individuals of South Asian descent in gnomAD. This variant is interpreted as pathogenic.

Labcorp Genetics (formerly Invitae), Labcorp
Classification: Pathogenic for Tyrosinemia type I. Last evaluated: 2025-09-09. Review status: criteria provided, single submitter. Criteria: Invitae Variant Classification Sherloc (09022015). Collection method: clinical testing. Allele origin: germline.
Comment: This sequence change replaces glutamine, which is neutral and polar, with histidine, which is basic and polar, at codon 64 of the FAH protein (p.Gln64His). RNA analysis indicates that this missense change induces altered splicing and may result in an absent or altered protein product. This variant is present in population databases (rs80338894, gnomAD 0.05%). This missense change has been observed in individual(s) with tyrosinemia type I (PMID: 7942842; internal data). ClinVar contains an entry for this variant (Variation ID: 21054). An algorithm developed to predict the effect of missense changes on protein structure and function (PolyPhen-2) suggests that this variant is likely to be tolerated. Variants that disrupt the consensus splice site are a relatively common cause of aberrant splicing (PMID: 17576681, 9536098). Studies have shown that this missense change results in retention of 94 nucleotides of intron 2, and produces a non-functional protein and/or introduces a premature termination codon (PMID: 7942842). For these reasons, this variant has been classified as Pathogenic.

3billion
Classification: Pathogenic for Tyrosinemia type I. Last evaluated: 2022-01-03. Review status: criteria provided, single submitter. Criteria: ACMG Guidelines, 2015. Collection method: clinical testing. Allele origin: germline. Affected: yes. Observed: 1 homozygote.
Comment: Same nucleotide change resulting in same amino acid change has been previously reported as pathogenic/likely pathogenic with strong evidence (ClinVar ID: VCV000021054, PS1_S). Functional studies provide supporting evidence of the variant having a damaging effect on the gene or gene product(PMID: 8829657, 7942842) (PS3_P). In silico tool predictions suggest damaging effect of the variant on gene or gene product (SPLICEAI: 0.9>=0.8, PP3_P). It is observed at an extremely low frequency in the gnomAD v2.1.1 dataset (total allele frequency: 0.000060, PM2_M). Therefore, this variant is classified as pathogenic according to the recommendation of ACMG/AMP guideline.

Myriad Genetics, Inc.
Classification: Pathogenic for Tyrosinemia type I. Last evaluated: 2019-12-09. Review status: criteria provided, single submitter. Criteria: Myriad Women's Health Autosomal Recessive and X-Linked Classification Criteria (2019). Collection method: clinical testing. Allele origin: unknown.
Comment: NM_000137.2(FAH):c.192G>T(Q64H) is classified as pathogenic in the context of tyrosinemia type I. Sources cited for classification include the following: PMID 22975760, 23430822, 23193487, 14691918, 9101289 and 7942842. Classification of NM_000137.2(FAH):c.192G>T(Q64H) is based on the following criteria: This is a well-established pathogenic variant in the literature that has been observed more frequently in patients with clinical diagnoses than in healthy populations. Please note: this variant was assessed in the context of healthy population screening.

Fulgent Genetics
Classification: Pathogenic for Tyrosinemia type I. Last evaluated: 2018-10-31. Review status: criteria provided, single submitter. Criteria: ACMG Guidelines, 2015. Collection method: clinical testing. Allele origin: unknown.

Women's Health and Genetics/Laboratory Corporation of America, LabCorp
Classification: Pathogenic for Tyrosinemia type I. Last evaluated: 2017-07-17. Review status: criteria provided, single submitter. Criteria: LabCorp Variant Classification Summary - May 2015. Collection method: clinical testing. Allele origin: germline.
Comment: Variant summary: The FAH c.192G>T (p.Gln64His) variant involves the alteration of a conserved nucleotide. This variant defies the donor-splice-site consensus sequence and it is considered a splice-site mutation (Ijaz_JPEM_2015). Human 2/3 in silico tools predict a damaging outcome for this variant (SNPsandGO not captured due to low reliability index). 5/5 splice prediction tools predict a significant impact on normal splicing. ESE finder predicts the loss of the SF2/ASF binding motif and the creation of a splice donor site. Functional studies showed decreased or absent FAH mRNA and protein levels in HT1 patients with this variant The variant of interest has been found in a large, broad control population, ExAC in 8/121410 control chromosomes at a frequency of 0.0000659, which does not exceed the estimated maximal expected allele frequency of a pathogenic FAH variant (0.0025). This variant has been reported in multiple HT1 patients, in both homozygotes and heterozygotes (with unknown secondary allele)( Rootwelt_AJHG_1994, Rootwelt_HM_1996, Ijaz_JPEM_2015). In addition, multiple clinical diagnostic laboratories/reputable databases classified this variant as pathogenic. Taken together, this variant is classified as pathogenic.

Eurofins Ntd Llc (ga)
Classification: Pathogenic. Last evaluated: 2013-11-22. Review status: criteria provided, single submitter. Criteria: EGL Classification Definitions 2015. Collection method: clinical testing. Allele origin: germline. Observed: 3 variant alleles, 3 homozygotes.

CENTOGENE GmbH and LLC - Guiding Precision Medicine
Classification: Pathogenic for Tyrosinemia type I. Review status: criteria provided, single submitter. Criteria: ACMG Guidelines, 2015. Collection method: clinical testing. Allele origin: germline. Affected: yes.

Neuberg Centre For Genomic Medicine, NCGM
Classification: Pathogenic for Tyrosinemia type I. Review status: criteria provided, single submitter. Criteria: ACMG Guidelines, 2015. Collection method: clinical testing. Allele origin: germline. Inheritance: Autosomal recessive inheritance. Affected: yes.
Comment: The missense c.192G>T(p.Gln64His) variant, which lies in splice region of FAH gene has been reported previously in multiple individuals affected with tyrosinemia type I (Ijaz S, et. al., 2016; Angileri F, et. al., 2015; Demers SI, et. al., 2003). Functional studies show that this variant causes aberrant splicing and affects gene or gene product (Rootwelt H, et. al., 1994). The p.Gln64His variant has been reported with allele frequency of 0.006% in gnomAD Exomes. This variant has been submitted to the ClinVar database as Pathogenic (multiple submissions). The amino acid change p.Gln64His in FAH is predicted as conserved by GERP++ and PhyloP across 100 vertebrates. The amino acid Gln at position 64 is changed to a His changing protein sequence and it might alter its composition and physico-chemical properties. For these reasons, this variant has been classified as Pathogenic.

Neuberg Centre For Genomic Medicine, NCGM
Classification: Pathogenic for T-substance anomaly. Review status: criteria provided, single submitter. Criteria: ACMG Guidelines, 2015. Collection method: clinical testing. Allele origin: germline. Inheritance: Autosomal recessive inheritance. Affected: yes.